The following is an entry in ClinVar:

NM_000138.5(FBN1):c.5434T>G (p.Cys1812Gly)

Gene: FBN1 (fibrillin 1; minus strand). Cytogenetic location: 15q21.1.
Variant type: single nucleotide variant.
Coding change: c.5434T>G on transcript NM_000138.5 (MANE Select); coding-DNA position 5434, T replaced by G.
Protein change: p.Cys1812Gly; replaces cysteine 1812 with glycine.
Molecular consequence: missense variant.
Genome position (GRCh38, 1-based): chr15:48,452,673, A>C on the plus strand (T>G on the coding strand, the complement: FBN1 is on the minus strand). VCF-style: chr15-48452673-A-C. GRCh37 (hg19) VCF-style: chr15-48744870-A-C.
Other names: short protein forms C1812G.
Identifiers: ClinVar variation 1204612 (VCV001204612.3), dbSNP rs1597537935, ClinGen allele CA392344469.

ClinVar aggregate classification (germline): Likely pathogenic (1 of 4 stars; one submission).

Submission:

GeneDx
Classification: Likely pathogenic. Last evaluated: 2019-04-19. Review status: criteria provided, single submitter. Criteria: GeneDx Variant Classification Process June 2021. Collection method: clinical testing. Allele origin: germline. Affected: yes.
Comment: Affects a cysteine residue within a calcium-binding EGF-like domain of the FBN1 gene, which may affect disulfide bonding and is predicted to alter the structure and function of the protein; cysteine substitutions in the calcium-binding EGF-like domains represent the majority of pathogenic missense changes associated with FBN1-related disorders (Collod-Beroud et al., 2003); Not observed in large population cohorts (Lek et al., 2016); In silico analysis, which includes protein predictors and evolutionary conservation, supports a deleterious effect; Has not been previously published as pathogenic or benign to our knowledge